The following is an entry in ClinVar:

NM_000321.3(RB1):c.264+75T>C

Gene: RB1 (RB transcriptional corepressor 1; plus strand). Cytogenetic location: 13q14.2.
Variant type: single nucleotide variant.
Coding change: c.264+75T>C on transcript NM_000321.3 (MANE Select); 75 bases into the intron after coding-DNA position 264, T replaced by C.
Molecular consequence: intron variant.
Genome position (GRCh38, 1-based): chr13:48,307,481, T>C. VCF-style: chr13-48307481-T-C. GRCh37 (hg19) VCF-style: chr13-48881617-T-C.
Identifiers: ClinVar variation 1292685 (VCV001292685.4), dbSNP rs3092865, ClinGen allele CA249842405.
Genomic context (GRCh38, chr13:48,307,481, plus strand): 5'-AAAACGTTTTGAAATTTTTTTTTCTCATTTTAAAAACAACTTCAAATCACTATACAAAAA[T>C]TGAAAGATAGAAAAATATAAAGACAATAAAAGCTAATAATAATTCCATTACCCAGAGGAA-3'

ClinVar aggregate classification (germline): Benign. Review status: criteria provided, multiple submitters, no conflicts (2 of 4 stars). 3 submissions from 3 submitters: Benign (3). Last evaluated 2025-09-17.

Conditions:
Hereditary retinoblastoma. Identifiers: Orphanet 357027, MedGen C0751483, MONDO:0018160.

Allele frequency attached by ClinVar (database versions not stated): gnomAD exomes 0.00656; gnomAD 0.05184 and 0.05520; TOPMed 0.05914; 1000 Genomes Project 0.06050; 1000 Genomes Project 30x 0.06293.
gnomAD v4.1: 16,653 of 1,410,128 alleles (1.2%); highest among the groups gnomAD compares: African/African-American, 17%; 1,134 homozygotes.

Submissions (3):

Ramesar Group, Division of Human Genetics, Institute of Infectious Diseases and Molecular Medicine, UCT/MRC Genomic and Precision Medicine Research Unit, University of Cape Town
Classification: Benign for Hereditary retinoblastoma. Last evaluated: 2025-09-17. Review status: criteria provided, single submitter. Criteria: ACMG Guidelines, 2015. Collection method: research. Allele origin: germline. Affected: no.
Comment: BA1 - This variant is common in the general population (gnomAD), and is present in 15 individuals in our in-house control cohort (19%) BP5 - Variant found in a patient with a different retinal disease; RB1 is not associated with the phenotype BP6 - Reported as benign in ClinVar BP7 - A non-coding variant with no predicted effect on splicing (SpliceAI scores are negligible)

GeneDx
Classification: Benign. Last evaluated: 2018-06-23. Review status: criteria provided, single submitter. Criteria: GeneDx Variant Classification Process June 2021. Collection method: clinical testing. Allele origin: germline. Affected: yes.

Breakthrough Genomics
Classification: Benign. Review status: criteria provided, single submitter. Criteria: ACMG Guidelines, 2015. Collection method: not provided. Allele origin: germline. Inheritance: Autosomal dominant inheritance. Affected: yes.